The following is an entry in ClinVar:

ClinVar aggregate classification (germline): Likely benign (1 of 4 stars; one submission).

Allele frequency attached by ClinVar (database versions not stated): ExAC 0.00024; gnomAD 0.00034; ESP Exome Variant Server 0.00046; TOPMed 0.00048; 1000 Genomes Project 0.00100; 1000 Genomes Project 30x 0.00125.
gnomAD v4.1: 202 of 1,613,702 alleles (0.013%); highest among the groups gnomAD compares: African/African-American, 0.095%; no homozygotes.

Submissions (3):

CeGaT Center for Human Genetics Tuebingen
Classification: Likely benign. Last evaluated: 2026-09-01. Review status: criteria provided, single submitter. Criteria: CeGaT Center For Human Genetics Tuebingen Variant Classification Criteria Version 2. Collection method: clinical testing. Allele origin: germline. Affected: yes. Observed: 2 variant alleles.
Comment: TUBGCP2: BP4, BP7

Dr. Peter K. Rogan Lab, Western University
No classification provided (evidence only). Condition: Uterine corpus endometrial carcinoma. Review status: no classification provided. Collection method: in vitro. Allele origin: not applicable. Functional consequence: retained intron. Not counted in ClinVar's aggregate classification.

Dr. Peter K. Rogan Lab, Western University
No classification provided (evidence only). Condition: Hepatocellular carcinoma. Review status: no classification provided. Collection method: in vitro. Allele origin: not applicable. Functional consequence: retained intron. Not counted in ClinVar's aggregate classification.

NM_006659.4(TUBGCP2):c.1044C>T (p.Gly348=)

Gene: TUBGCP2 (tubulin gamma complex component 2; minus strand). Cytogenetic location: 10q26.3.
Variant type: single nucleotide variant.
Coding change: c.1044C>T on transcript NM_006659.4 (MANE Select); coding-DNA position 1044, C replaced by T.
Protein change: p.Gly348=; no amino-acid change (glycine 348 retained).
Molecular consequence: synonymous variant. On other transcripts: non-coding transcript variant (1).
Genome position (GRCh38, 1-based): chr10:133,292,669, G>A on the plus strand (C>T on the coding strand, the complement: TUBGCP2 is on the minus strand). VCF-style: chr10-133292669-G-A. GRCh37 (hg19) VCF-style: chr10-135106173-G-A.
Other names: NC_000010.10:g.135106173G>A; c.1128C>T, p.Gly376= (NM_001256617.2); c.654C>T, p.Gly218= (NM_001256618.2).
Identifiers: ClinVar variation 3026010 (VCV003026010.23), dbSNP rs147567537, ClinGen allele CA5764263.